The following is an entry in ClinVar:

NM_000051.4(ATM):c.5176T>G (p.Cys1726Gly)

Gene: ATM (ATM serine/threonine kinase; plus strand). Cytogenetic location: 11q22.3.
Variant type: single nucleotide variant.
Coding change: c.5176T>G on transcript NM_000051.4 (MANE Select); coding-DNA position 5176, T replaced by G.
Protein change: p.Cys1726Gly; replaces cysteine 1726 with glycine.
Molecular consequence: missense variant.
Genome position (GRCh38, 1-based): chr11:108,299,884, T>G. VCF-style: chr11-108299884-T-G. GRCh37 (hg19) VCF-style: chr11-108170611-T-G.
Other names: c.5176T>G, p.Cys1726Gly (NM_001351834.2); short protein forms C1726G.
Identifiers: ClinVar variation 839024 (VCV000839024.14), dbSNP rs770882126, ClinGen allele CA6265637.

ClinVar aggregate classification (germline): Conflicting classifications of pathogenicity. Review status: criteria provided, conflicting classifications (1 of 4 stars). 4 submissions from 4 submitters: Uncertain significance (3); Likely benign (1). Last evaluated 2025-06-19.

Conditions:
Hereditary cancer-predisposing syndrome. Also called: Neoplastic Syndromes, Hereditary; Hereditary neoplastic syndrome; Tumor predisposition; Hereditary Cancer Syndrome. Identifiers: Orphanet 140162, MedGen C0027672, MeSH D009386, MONDO:0015356.
Ataxia-telangiectasia syndrome (AT). Also called: Ataxia-telangiectasia, complementation group E; Ataxia telangiectasia (A-T); LOUIS-BAR SYNDROME; Ataxia-telangiectasia, complementation group D; AT, COMPLEMENTATION GROUP C; Ataxia-telangiectasia. Identifiers: Orphanet 100, MedGen C0004135, MONDO:0008840, OMIM 208900.

Allele frequency attached by ClinVar (database versions not stated): gnomAD exomes 0.00001; ExAC 0.00002; gnomAD 0.00001.
gnomAD v4.1: 4 of 1,612,924 alleles (0.00025%); highest among the groups gnomAD compares: East Asian, 0.0045%; no homozygotes.

Submissions (4):

Labcorp Genetics (formerly Invitae), Labcorp
Classification: Uncertain significance for Ataxia-telangiectasia syndrome. Last evaluated: 2025-06-19. Review status: criteria provided, single submitter. Criteria: Invitae Variant Classification Sherloc (09022015). Collection method: clinical testing. Allele origin: germline.
Comment: This sequence change replaces cysteine, which is neutral and slightly polar, with glycine, which is neutral and non-polar, at codon 1726 of the ATM protein (p.Cys1726Gly). This variant is present in population databases (rs770882126, gnomAD 0.01%). This variant has not been reported in the literature in individuals affected with ATM-related conditions. ClinVar contains an entry for this variant (Variation ID: 839024). An algorithm developed to predict the effect of missense changes on protein structure and function outputs the following: PolyPhen-2: "Benign". The glycine amino acid residue is found in multiple mammalian species, which suggests that this missense change does not adversely affect protein function. In summary, the available evidence is currently insufficient to determine the role of this variant in disease. Therefore, it has been classified as a Variant of Uncertain Significance.

Ambry Genetics
Classification: Likely benign for Hereditary cancer-predisposing syndrome. Last evaluated: 2023-12-04. Review status: criteria provided, single submitter. Criteria: Ambry Variant Classification Scheme 2023. Collection method: clinical testing. Allele origin: germline.

GeneDx
Classification: Uncertain significance. Last evaluated: 2022-07-01. Review status: criteria provided, single submitter. Criteria: GeneDx Variant Classification Process June 2021. Collection method: clinical testing. Allele origin: germline. Affected: yes.
Comment: Not observed at significant frequency in large population cohorts (gnomAD); In silico analysis supports that this missense variant does not alter protein structure/function; Observed in 0/646 individuals with leukemia and in 1/8920 unaffected controls (Tiao 2017); This variant is associated with the following publications: (PMID: 28652578)

Color Diagnostics, LLC DBA Color Health
Classification: Uncertain significance for Hereditary cancer-predisposing syndrome. Last evaluated: 2021-06-15. Review status: criteria provided, single submitter. Criteria: ACMG Guidelines, 2015. Collection method: clinical testing. Allele origin: germline.
Comment: This missense variant replaces cysteine with glycine at codon 1726 of the ATM protein. Computational prediction suggests that this variant may not impact protein structure and function (internally defined REVEL score threshold <= 0.5, PMID: 27666373). To our knowledge, functional studies have not been reported for this variant. This variant has not been reported in individuals affected with hereditary cancer in the literature. This variant has been identified in 3/250932 chromosomes in the general population by the Genome Aggregation Database (gnomAD). The available evidence is insufficient to determine the role of this variant in disease conclusively. Therefore, this variant is classified as a Variant of Uncertain Significance.